The following is an entry in ClinVar:

ClinVar aggregate classification (germline): Uncertain significance. Review status: criteria provided, multiple submitters, no conflicts (2 of 4 stars). 2 submissions from 2 submitters: Uncertain significance (2). Last evaluated 2025-04-17.

gnomAD v4.1: 1 of 1,613,900 alleles (0.000062%); highest among the groups gnomAD compares: African/African-American, 0.0013%; no homozygotes.

Submissions (2):

Labcorp Genetics (formerly Invitae), Labcorp
Classification: Uncertain significance. Last evaluated: 2025-04-17. Review status: criteria provided, single submitter. Criteria: Invitae Variant Classification Sherloc (09022015). Collection method: clinical testing. Allele origin: germline.
Comment: This sequence change replaces lysine, which is basic and polar, with arginine, which is basic and polar, at codon 533 of the SRP72 protein (p.Lys533Arg). This variant is not present in population databases (gnomAD no frequency). This variant has not been reported in the literature in individuals affected with SRP72-related conditions. ClinVar contains an entry for this variant (Variation ID: 3449386). Invitae Evidence Modeling of protein sequence and biophysical properties (such as structural, functional, and spatial information, amino acid conservation, physicochemical variation, residue mobility, and thermodynamic stability) indicates that this missense variant is not expected to disrupt SRP72 protein function with a negative predictive value of 80%. In summary, the available evidence is currently insufficient to determine the role of this variant in disease. Therefore, it has been classified as a Variant of Uncertain Significance.

Ambry Genetics
Classification: Uncertain significance. Last evaluated: 2024-10-05. Review status: criteria provided, single submitter. Criteria: Ambry Variant Classification Scheme 2023. Collection method: clinical testing. Allele origin: germline.
Comment: The p.K533R variant (also known as c.1598A>G), located in coding exon 16 of the SRP72 gene, results from an A to G substitution at nucleotide position 1598. The lysine at codon 533 is replaced by arginine, an amino acid with highly similar properties. This amino acid position is conserved. In addition, the in silico prediction for this alteration is inconclusive. Based on the available evidence, the clinical significance of this variant remains unclear.

NM_006947.4(SRP72):c.1598A>G (p.Lys533Arg)

Gene: SRP72 (signal recognition particle 72; plus strand). Cytogenetic location: 4q12.
Variant type: single nucleotide variant.
Coding change: c.1598A>G on transcript NM_006947.4 (MANE Select); coding-DNA position 1598, A replaced by G.
Protein change: p.Lys533Arg; replaces lysine 533 with arginine.
Molecular consequence: missense variant. On other transcripts: non-coding transcript variant (1).
Genome position (GRCh38, 1-based): chr4:56,491,526, A>G. VCF-style: chr4-56491526-A-G. GRCh37 (hg19) VCF-style: chr4-57357692-A-G.
Other names: c.1415A>G, p.Lys472Arg (NM_001267722.2); short protein forms K472R, K533R.
Identifiers: ClinVar variation 3449386 (VCV003449386.2).
Genomic context (GRCh38, chr4:56,491,526, plus strand): 5'-CTCTAAAAGTAGATGTTGAGGCTCTTGAAAATTCTGCTGGTGCTACATACATTCGGAAGA[A>G]GGGTGGAAAAGTTACTGGAGATAGTCAACCAAAGGAACAAGGGTAATATTTTTCATTGTA-3'
Protein context (NP_008878.3, residues 523-543): NSAGATYIRK[Lys533Arg]GGKVTGDSQP